The following is an entry in ClinVar:

ClinVar aggregate classification (germline): Uncertain significance (1 of 4 stars; one submission).

Submission:

GeneDx
Classification: Uncertain significance. Last evaluated: 2024-01-17. Review status: criteria provided, single submitter. Criteria: GeneDx Variant Classification Process June 2021. Collection method: clinical testing. Allele origin: germline. Affected: yes.
Comment: Not observed at significant frequency in large population cohorts (gnomAD); In silico analysis supports that this missense variant does not alter protein structure/function; Has not been previously published as pathogenic or benign to our knowledge

NM_014915.3(ANKRD26):c.4221T>A (p.Asp1407Glu)

Gene: ANKRD26 (ankyrin repeat domain containing 26; minus strand). Cytogenetic location: 10p12.1.
Variant type: single nucleotide variant.
Coding change: c.4221T>A on transcript NM_014915.3 (MANE Select); coding-DNA position 4221, T replaced by A.
Protein change: p.Asp1407Glu; replaces aspartic acid 1407 with glutamic acid.
Molecular consequence: missense variant.
Genome position (GRCh38, 1-based): chr10:27,017,787, A>T on the plus strand (T>A on the coding strand, the complement: ANKRD26 is on the minus strand). VCF-style: chr10-27017787-A-T. GRCh37 (hg19) VCF-style: chr10-27306716-A-T.
Other names: c.4218T>A, p.Asp1406Glu (NM_001256053.2); short protein forms D1406E, D1407E.
Identifiers: ClinVar variation 3367968 (VCV003367968.1).
Genomic context (GRCh38, chr10:27,017,787, plus strand): 5'-GTTCTTTGTATCCAGATGTAGACATTTTGAACCTGCAGTCTCCAGTTCTGCTGTAAGATC[A>T]TCAATCTGAATGAAGACAATAATATAGTGTAATAATGAAGGAAGTAGCCTGAGAATAGCC-3'
Protein context (NP_055730.2, residues 1397-1417): IQINKLKHKI[Asp1407Glu]DLTAELETAG